The following is an entry in ClinVar:

ClinVar aggregate classification (germline): Uncertain significance (1 of 4 stars; one submission).

Conditions:
Fanconi anemia complementation group J. Also called: BRIP1-Related Fanconi Anemia. Identifiers: Orphanet 84, MedGen C1836860, MONDO:0012187, OMIM 609054.
Familial cancer of breast. Also called: Hereditary breast cancer; hereditary breast carcinoma; BREAST CANCER, FAMILIAL. Identifiers: Orphanet 227535, MedGen C0346153, MONDO:0016419, OMIM 114480. Disease mechanism: loss of function.

Submission:

Labcorp Genetics (formerly Invitae), Labcorp
Classification: Uncertain significance for Familial cancer of breast; Fanconi anemia complementation group J. Last evaluated: 2025-05-18. Review status: criteria provided, single submitter. Criteria: Invitae Variant Classification Sherloc (09022015). Collection method: clinical testing. Allele origin: germline.
Comment: This sequence change replaces leucine, which is neutral and non-polar, with isoleucine, which is neutral and non-polar, at codon 527 of the BRIP1 protein (p.Leu527Ile). This variant is not present in population databases (gnomAD no frequency). This variant has not been reported in the literature in individuals affected with BRIP1-related conditions. Invitae Evidence Modeling of protein sequence and biophysical properties (such as structural, functional, and spatial information, amino acid conservation, physicochemical variation, residue mobility, and thermodynamic stability) has been performed for this missense variant. However, the output from this modeling did not meet the statistical confidence thresholds required to predict the impact of this variant on BRIP1 protein function. In summary, the available evidence is currently insufficient to determine the role of this variant in disease. Therefore, it has been classified as a Variant of Uncertain Significance.

NM_032043.3(BRIP1):c.1579C>A (p.Leu527Ile)

Gene: BRIP1 (BRCA1 interacting DNA helicase 1; minus strand). Cytogenetic location: 17q23.2.
Variant type: single nucleotide variant.
Coding change: c.1579C>A on transcript NM_032043.3 (MANE Select); coding-DNA position 1579, C replaced by A.
Protein change: p.Leu527Ile; replaces leucine 527 with isoleucine.
Molecular consequence: missense variant.
Genome position (GRCh38, 1-based): chr17:61,784,319, G>T on the plus strand (C>A on the coding strand, the complement: BRIP1 is on the minus strand). VCF-style: chr17-61784319-G-T. GRCh37 (hg19) VCF-style: chr17-59861680-G-T.
Other names: short protein forms L527I.
Identifiers: ClinVar variation 4783571 (VCV004783571.1).